The following is an entry in ClinVar:

ClinVar aggregate classification (germline): Uncertain significance (1 of 4 stars; one submission).

Conditions:
Stromme syndrome (STROMS). Also called: APPLE PEEL SYNDROME WITH MICROCEPHALY AND OCULAR ANOMALIES; Strømme Syndrome; Ciliary dyskinesia, primary, 31. Identifiers: Orphanet 444069, Orphanet 506307, MedGen C1855705, MONDO:0009477, OMIM 243605.

Allele frequency attached by ClinVar (database versions not stated): TOPMed below 0.00001; gnomAD 0.00001; ExAC 0.00002; gnomAD exomes 0.00002; 1000 Genomes Project 30x 0.00016; 1000 Genomes Project 0.00020.
gnomAD v4.1: 9 of 1,611,694 alleles (0.00056%); highest among the groups gnomAD compares: Admixed American, 0.012%; no homozygotes.

Submission:

Baylor Genetics
Classification: Uncertain significance for Stromme syndrome. Last evaluated: 2018-04-10. Review status: criteria provided, single submitter. Criteria: ACMG Guidelines, 2015. Collection method: clinical testing. Allele origin: maternal. Affected: yes.
Comment: This variant was determined to be of uncertain significance according to ACMG Guidelines, 2015 [PMID:25741868].

NM_016343.4(CENPF):c.37C>T (p.Pro13Ser)

Gene: CENPF (centromere protein F; plus strand). Cytogenetic location: 1q41.
Variant type: single nucleotide variant.
Coding change: c.37C>T on transcript NM_016343.4 (MANE Select); coding-DNA position 37, C replaced by T.
Protein change: p.Pro13Ser; replaces proline 13 with serine.
Molecular consequence: missense variant.
Genome position (GRCh38, 1-based): chr1:214,613,791, C>T. VCF-style: chr1-214613791-C-T. GRCh37 (hg19) VCF-style: chr1-214787134-C-T.
Other names: short protein forms P13S.
Identifiers: ClinVar variation 1032734 (VCV001032734.1), dbSNP rs564086731, ClinGen allele CA1389647.